The following is an entry in ClinVar:

ClinVar aggregate classification (germline): Pathogenic (1 of 4 stars; one submission).

Submission:

Labcorp Genetics (formerly Invitae), Labcorp
Classification: Pathogenic. Last evaluated: 2022-12-02. Review status: criteria provided, single submitter. Criteria: Invitae Variant Classification Sherloc (09022015). Collection method: clinical testing. Allele origin: germline.
Comment: For these reasons, this variant has been classified as Pathogenic. Experimental studies have shown that this missense change affects ALAS2 function (PMID: 27247955). Algorithms developed to predict the effect of missense changes on protein structure and function (SIFT, PolyPhen-2, Align-GVGD) all suggest that this variant is likely to be disruptive. This missense change has been observed in individual(s) with congenital sideroblastic anemia (PMID: 27247955, 28772256, 32297424; Invitae). This variant is not present in population databases (gnomAD no frequency). This sequence change replaces tyrosine, which is neutral and polar, with cysteine, which is neutral and slightly polar, at codon 500 of the ALAS2 protein (p.Tyr500Cys).

Literature cited by the submitters: PubMed 27247955; PubMed 28772256; PubMed 32297424.

NM_000032.5(ALAS2):c.1499A>G (p.Tyr500Cys)

Gene: ALAS2 (5'-aminolevulinate synthase 2; minus strand). Cytogenetic location: Xp11.21.
Variant type: single nucleotide variant.
Coding change: c.1499A>G on transcript NM_000032.5 (MANE Select); coding-DNA position 1499, A replaced by G.
Protein change: p.Tyr500Cys; replaces tyrosine 500 with cysteine.
Molecular consequence: missense variant.
Genome position (GRCh38, 1-based): chrX:55,013,587, T>C on the plus strand (A>G on the coding strand, the complement: ALAS2 is on the minus strand). VCF-style: chrX-55013587-T-C. GRCh37 (hg19) VCF-style: chrX-55040020-T-C.
Other names: c.1388A>G, p.Tyr463Cys (NM_001037967.4); c.1460A>G, p.Tyr487Cys (NM_001037968.4); short protein forms Y463C, Y487C, Y500C.
Identifiers: ClinVar variation 2737236 (VCV002737236.3), dbSNP rs2519576302, ClinGen allele CA413292055.